The following is an entry in ClinVar:

ClinVar aggregate classification (germline): Uncertain significance. Review status: criteria provided, multiple submitters, no conflicts (2 of 4 stars). 2 submissions from 2 submitters: Uncertain significance (2). Last evaluated 2022-11-08.

Conditions:
Koolen-de Vries syndrome (KDVS). Identifiers: Orphanet 96169, MedGen C1864871, MONDO:0012496, OMIM 610443.

Allele frequency attached by ClinVar (database versions not stated): gnomAD exomes below 0.00001; ExAC 0.00002.
gnomAD v4.1: 3 of 1,614,202 alleles (0.00019%); highest among the groups gnomAD compares: Admixed American, 0.0017%; no homozygotes.

Submissions (2):

Labcorp Genetics (formerly Invitae), Labcorp
Classification: Uncertain significance for Koolen-de Vries syndrome. Last evaluated: 2022-11-08. Review status: criteria provided, single submitter. Criteria: Invitae Variant Classification Sherloc (09022015). Collection method: clinical testing. Allele origin: germline.
Comment: Until the location of this sequence change can be resolved, the clinical significance of this variant remains uncertain. It has been classified as a Variant of Uncertain Significance. Advanced modeling of protein sequence and biophysical properties (such as structural, functional, and spatial information, amino acid conservation, physicochemical variation, residue mobility, and thermodynamic stability) performed at Invitae indicates that this missense variant is not expected to disrupt KANSL1 protein function. ClinVar contains an entry for this variant (Variation ID: 846545). This variant has not been reported in the literature in individuals with KANSL1-related conditions. This variant is present in population databases (rs760506954, gnomAD 0.003%). This sequence change replaces valine, which is neutral and non-polar, with isoleucine, which is neutral and non-polar, at codon 101 of the KANSL1 protein (p.Val101Ile). Due to the possible presence of a polymorphic segmental duplication, the location of the variant could not be unambiguously resolved. Variants with ambiguous mapping are still reported relative to the KANSL1 transcript.

Fulgent Genetics
Classification: Uncertain significance for Koolen-de Vries syndrome. Last evaluated: 2021-09-23. Review status: criteria provided, single submitter. Criteria: ACMG Guidelines, 2015. Collection method: clinical testing. Allele origin: unknown.

NM_015443.4(KANSL1):c.301G>A (p.Val101Ile)

Gene: KANSL1 (KAT8 regulatory NSL complex subunit 1). Cytogenetic location: 17q21.31.
Variant type: single nucleotide variant.
Coding change: c.301G>A on transcript NM_015443.4 (MANE Select); coding-DNA position 301, G replaced by A.
Protein change: p.Val101Ile; replaces valine 101 with isoleucine.
Molecular consequence: missense variant.
Genome position (GRCh38, 1-based): chr17:46,171,843, C>T on the plus strand (G>A on the coding strand, the complement: KANSL1 is on the minus strand). VCF-style: chr17-46171843-C-T. GRCh37 (hg19) VCF-style: chr17-44249209-C-T.
Other names: c.301G>A, p.Val101Ile (NM_001379198.1, NM_001193465.2, NM_001193466.2); short protein forms V101I.
Identifiers: ClinVar variation 846545 (VCV000846545.10), dbSNP rs760506954, ClinGen allele CA8619075.
Genomic context (GRCh38, chr17:46,171,843, plus strand): 5'-GGAGTTCATAGGACTGAGATAAGAGAGGATGAGATTTAAGGACTGTCTGCTTGCTGAAGA[C>T]CCCTTGCAACTTCAAAGACTCCTTTGAGGGAACAGATGTTACATCAGAGCAGAGATAAGA-3'
Protein context (NP_056258.1, residues 91-111): PSKESLKLQG[Val101Ile]FSKQTVLKSH